The following is an entry in ClinVar:

NM_000053.4(ATP7B):c.1493C>T (p.Thr498Ile)

Gene: ATP7B (ATPase copper transporting beta; minus strand). Cytogenetic location: 13q14.3.
Variant type: single nucleotide variant.
Coding change: c.1493C>T on transcript NM_000053.4 (MANE Select); coding-DNA position 1493, C replaced by T.
Protein change: p.Thr498Ile; replaces threonine 498 with isoleucine.
Molecular consequence: missense variant.
Genome position (GRCh38, 1-based): chr13:51,970,542, G>A on the plus strand (C>T on the coding strand, the complement: ATP7B is on the minus strand). VCF-style: chr13-51970542-G-A. GRCh37 (hg19) VCF-style: chr13-52544678-G-A.
Other names: c.1493C>T, p.Thr498Ile (NM_001005918.3, NM_001330578.2, NM_001330579.2); c.1160C>T, p.Thr387Ile (NM_001243182.2); short protein forms T387I, T498I.
Identifiers: ClinVar variation 1497385 (VCV001497385.6), dbSNP rs2139962593, ClinGen allele CA388035408.
Genomic context (GRCh38, chr13:51,970,542, plus strand): 5'-CATCTCTTACCAGCTTCTTTCTGCAGATTCCTTTCTATGTTAGACACACAGGATGCACAG[G>A]TCATGCCTTTGATCTGTAAGAAGCACTTCTGCGGTGCCACTGCTCTGGTTGATTGTGGGG-3'
Protein context (NP_000044.2, residues 488-508): QKCFLQIKGM[Thr498Ile]CASCVSNIER

ClinVar aggregate classification (germline): Likely pathogenic (1 of 4 stars; one submission).

Conditions:
Wilson disease (WND). Also called: Wilson's disease. Identifiers: Orphanet 905, MedGen C0019202, MONDO:0010200, OMIM 277900. Disease mechanism: loss of function.

Submission:

Labcorp Genetics (formerly Invitae), Labcorp
Classification: Likely pathogenic for Wilson disease. Last evaluated: 2021-10-12. Review status: criteria provided, single submitter. Criteria: Invitae Variant Classification Sherloc (09022015). Collection method: clinical testing. Allele origin: germline.
Comment: This sequence change replaces threonine with isoleucine at codon 498 of the ATP7B protein (p.Thr498Ile). The threonine residue is highly conserved and there is a moderate physicochemical difference between threonine and isoleucine. This variant is not present in population databases (ExAC no frequency). In summary, the currently available evidence indicates that the variant is pathogenic, but additional data are needed to prove that conclusively. Therefore, this variant has been classified as Likely Pathogenic. This variant disrupts the p.Thr498 amino acid residue in ATP7B. Other variant(s) that disrupt this residue have been determined to be pathogenic (PMID: 23843956). This suggests that this residue is clinically significant, and that variants that disrupt this residue are likely to be disease-causing. Advanced modeling of protein sequence and biophysical properties (such as structural, functional, and spatial information, amino acid conservation, physicochemical variation, residue mobility, and thermodynamic stability) performed at Invitae indicates that this missense variant is expected to disrupt ATP7B protein function. This variant has not been reported in the literature in individuals affected with ATP7B-related conditions.

Literature cited by the submitters: PubMed 23843956.